The following is an entry in ClinVar:

NC_000017.10:g.(?_41222963)_(41230954_?)del

Gene: BRCA1 (BRCA1 DNA repair associated; minus strand). Cytogenetic location: 17q21.31.
Variant type: Deletion.
Identifiers: ClinVar variation 3243021 (VCV003243021.1).

ClinVar aggregate classification (germline): Pathogenic (1 of 4 stars; one submission).

Conditions:
Hereditary breast ovarian cancer syndrome. Also called: Hereditary breast and ovarian cancer syndrome; Hereditary breast and ovarian cancer; Hereditary breast and ovarian cancer syndrome (HBOC); Breast and ovarian cancer; Hereditary breast and/or ovarian cancer syndrome; BRCA1- and BRCA2-Associated Hereditary Breast and Ovarian Cancer. Identifiers: Orphanet 145, MedGen C0677776, MeSH D061325, MONDO:0003582. Disease mechanism: loss of function.

Submission:

Labcorp Genetics (formerly Invitae), Labcorp
Classification: Pathogenic for Hereditary breast ovarian cancer syndrome. Last evaluated: 2023-11-09. Review status: criteria provided, single submitter. Criteria: Invitae Variant Classification Sherloc (09022015). Collection method: clinical testing. Allele origin: unknown.
Comment: This variant results in the deletion of exons 13-14 and part of exon 15 (c.4358-2323_4968del) of the BRCA1 gene. It is expected to disrupt RNA splicing. Variants that disrupt the donor or acceptor splice site typically lead to a loss of protein function (PMID: 16199547), and loss-of-function variants in BRCA1 are known to be pathogenic (PMID: 20104584). This variant has not been reported in the literature in individuals affected with BRCA1-related conditions. This variant disrupts a region of the BRCA1 protein in which other variant(s) (p.Ser1655Phe) have been determined to be pathogenic (PMID: 9200354, 15133502, 15133503, 17308087, 19563646, 20516115, 23867111, 24249303, 27767231, 28398198, 29176636). This suggests that this is a clinically significant region of the protein, and that variants that disrupt it are likely to be disease-causing. For these reasons, this variant has been classified as Pathogenic.

Literature cited by the submitters: PubMed 16199547; PubMed 20104584; PubMed 9200354; PubMed 15133502; PubMed 15133503; PubMed 17308087; PubMed 19563646; PubMed 20516115; PubMed 23867111; PubMed 24249303; PubMed 27767231; PubMed 28398198; PubMed 29176636.